The following is an entry in ClinVar:

ClinVar aggregate classification (germline): Pathogenic/Likely pathogenic. Review status: criteria provided, multiple submitters, no conflicts (2 of 4 stars). 2 submissions from 2 submitters: Pathogenic (1); Likely pathogenic (1). Last evaluated 2021-01-18.

Conditions:
RPGR-related disorder. Also called: RPGR-related condition.
Primary ciliary dyskinesia. Also called: Ciliary dyskinesia. Identifiers: Orphanet 244, MedGen C0008780, MONDO:0016575, HP:0012265.

Submissions (2):

Labcorp Genetics (formerly Invitae), Labcorp
Classification: Pathogenic for Primary ciliary dyskinesia. Last evaluated: 2021-01-18. Review status: criteria provided, single submitter. Criteria: Invitae Variant Classification Sherloc (09022015). Collection method: clinical testing. Allele origin: germline.
Comment: For these reasons, this variant has been classified as Pathogenic. This variant has not been reported in the literature in individuals with RPGR-related conditions. ClinVar contains an entry for this variant (Variation ID: 866683). This variant is not present in population databases (ExAC no frequency). This sequence change creates a premature translational stop signal (p.Ala110Cysfs*6) in the RPGR gene. It is expected to result in an absent or disrupted protein product. Loss-of-function variants in RPGR are known to be pathogenic (PMID: 10932196, 8673101).

Blueprint Genetics
Classification: Likely pathogenic for RPGR-related disorders. Last evaluated: 2019-08-16. Review status: criteria provided, single submitter. Criteria: ACMG Guidelines, 2015. Collection method: clinical testing. Allele origin: germline. Affected: yes. Observed: 2 variant alleles.

Literature cited by the submitters: PubMed 10932196 (cited by Labcorp Genetics (formerly Invitae), Labcorp); PubMed 8673101 (cited by Labcorp Genetics (formerly Invitae), Labcorp).

NM_001034853.2(RPGR):c.327dup (p.Ala110fs)

Gene: RPGR (retinitis pigmentosa GTPase regulator; minus strand). Cytogenetic location: Xp11.4.
Variant type: Duplication.
Coding change: c.327dup on transcript NM_001034853.2 (MANE Select); coding-DNA position 327, one base duplicated (T; older notation c.327dupT).
Protein change: p.Ala110fs; shifts the reading frame from alanine 110.
Molecular consequence: frameshift variant. On other transcripts: non-coding transcript variant (6).
Genome position (GRCh38, 1-based): chrX:38,318,971, A duplicated on the plus strand (T on the coding strand, the reverse complement: RPGR is on the minus strand). VCF-style (leftmost placement, unchanged base first): chrX-38318970-C-CA. GRCh37 (hg19) VCF-style: chrX-38178223-C-CA.
Other names: c.327dup, p.Ala110fs (NM_000328.3, NM_001367245.1, NM_001367246.1 and 3 more transcripts); c.357dup, p.Ala120fs (NM_001367248.1); c.324dup, p.Ala109fs (NM_001367249.1); short protein forms A109fs, A120fs, A110fs.
Identifiers: ClinVar variation 866683 (VCV000866683.8), dbSNP rs2067878443, ClinGen allele CA916083924.